The following is an entry in ClinVar:

ClinVar aggregate classification (germline): Uncertain significance. Review status: criteria provided, multiple submitters, no conflicts (2 of 4 stars). 4 submissions from 4 submitters: Uncertain significance (4). Last evaluated 2025-07-14.

Conditions:
Cardiovascular phenotype. Identifiers: MedGen CN230736.
Hereditary cancer-predisposing syndrome. Also called: Neoplastic Syndromes, Hereditary; Hereditary neoplastic syndrome; Hereditary Cancer Syndrome; Tumor predisposition. Identifiers: Orphanet 140162, MedGen C0027672, MeSH D009386, MONDO:0015356.
Neurofibromatosis, type 1 (NF1). Also called: VON RECKLINGHAUSEN DISEASE; NEUROFIBROMATOSIS, TYPE I, SOMATIC; Peripheral type neurofibromatosis; Neurofibromatosis, type I. Identifiers: Orphanet 636, MedGen C0027831, MONDO:0018975, OMIM 162200. Disease mechanism: loss of function.

Submissions (4):

Ambry Genetics
Classification: Uncertain significance for Cardiovascular phenotype; Hereditary cancer-predisposing syndrome. Last evaluated: 2025-07-14. Review status: criteria provided, single submitter. Criteria: Ambry Variant Classification Scheme 2023. Collection method: clinical testing. Allele origin: germline.
Comment: The p.D2055G variant (also known as c.6164A>G), located in coding exon 41 of the NF1 gene, results from an A to G substitution at nucleotide position 6164. The aspartic acid at codon 2055 is replaced by glycine, an amino acid with similar properties. This amino acid position is conserved. In addition, the in silico prediction for this alteration is inconclusive. Based on the available evidence, the clinical significance of this variant remains unclear.

Labcorp Genetics (formerly Invitae), Labcorp
Classification: Uncertain significance for Neurofibromatosis, type 1. Last evaluated: 2025-06-23. Review status: criteria provided, single submitter. Criteria: Invitae Variant Classification Sherloc (09022015). Collection method: clinical testing. Allele origin: germline.
Comment: This sequence change replaces aspartic acid, which is acidic and polar, with glycine, which is neutral and non-polar, at codon 2055 of the NF1 protein (p.Asp2055Gly). This variant is not present in population databases (gnomAD no frequency). This variant has not been reported in the literature in individuals affected with NF1-related conditions. ClinVar contains an entry for this variant (Variation ID: 656973). Invitae Evidence Modeling of protein sequence and biophysical properties (such as structural, functional, and spatial information, amino acid conservation, physicochemical variation, residue mobility, and thermodynamic stability) indicates that this missense variant is expected to disrupt NF1 protein function with a positive predictive value of 95%. Algorithms developed to predict the effect of sequence changes on RNA splicing suggest that this variant may disrupt the consensus splice site. In summary, the available evidence is currently insufficient to determine the role of this variant in disease. Therefore, it has been classified as a Variant of Uncertain Significance.

Genome-Nilou Lab
Classification: Uncertain significance for Neurofibromatosis, type 1. Last evaluated: 2022-03-15. Review status: criteria provided, single submitter. Criteria: ACMG Guidelines, 2015. Collection method: clinical testing. Allele origin: germline. Affected: no.

Genetic Services Laboratory, University of Chicago
Classification: Uncertain significance. Last evaluated: 2019-11-06. Review status: criteria provided, single submitter. Criteria: ACMG Guidelines, 2015. Collection method: clinical testing. Allele origin: germline. Affected: no.

NM_001042492.3(NF1):c.6227A>G (p.Asp2076Gly)

Gene: NF1 (neurofibromin 1; plus strand). Cytogenetic location: 17q11.2.
Variant type: single nucleotide variant.
Coding change: c.6227A>G on transcript NM_001042492.3 (MANE Select); coding-DNA position 6227, A replaced by G.
Protein change: p.Asp2076Gly; replaces aspartic acid 2076 with glycine.
Molecular consequence: missense variant.
Genome position (GRCh38, 1-based): chr17:31,336,714, A>G. VCF-style: chr17-31336714-A-G. GRCh37 (hg19) VCF-style: chr17-29663732-A-G.
Other names: c.6164A>G, p.Asp2055Gly (NM_000267.4); short protein forms D2055G, D2076G.
Identifiers: ClinVar variation 656973 (VCV000656973.13), dbSNP rs1597842820, ClinGen allele CA399012011.